The following is an entry in ClinVar:

NM_031475.3(ESPN):c.2006C>T (p.Pro669Leu)

Gene: ESPN (espin; plus strand). Cytogenetic location: 1p36.31.
Variant type: single nucleotide variant.
Coding change: c.2006C>T on transcript NM_031475.3 (MANE Select); coding-DNA position 2006, C replaced by T.
Protein change: p.Pro669Leu; replaces proline 669 with leucine.
Molecular consequence: missense variant.
Genome position (GRCh38, 1-based): chr1:6,451,693, C>T. VCF-style: chr1-6451693-C-T. GRCh37 (hg19) VCF-style: chr1-6511753-C-T.
Other names: c.1916C>T, p.Pro639Leu (NM_001367473.1); c.1943C>T, p.Pro648Leu (NM_001367474.1); short protein forms P639L, P648L, P669L.
Identifiers: ClinVar variation 1187937 (VCV001187937.10), dbSNP rs146261521, ClinGen allele CA560341.
Genomic context (GRCh38, chr1:6,451,693, plus strand): 5'-CGGGCGACAACTCGGAGCTACTGGCTGAGATTAAGGCAGGCAAGAGCCTGAAGCCGACGC[C>T]CCAGAGCAAGGGGCTGACCACAGTGTTCTCAGGCATCGGGCAGCCGGCCTTCCAGGTAGG-3'
Protein context (NP_113663.2, residues 659-679): IKAGKSLKPT[Pro669Leu]QSKGLTTVFS

ClinVar aggregate classification (germline): Uncertain significance. Review status: criteria provided, multiple submitters, no conflicts (2 of 4 stars). 4 submissions from 4 submitters: Uncertain significance (4). Last evaluated 2025-12-02.

Allele frequency attached by ClinVar (database versions not stated): ESP Exome Variant Server 0.00008; gnomAD exomes 0.00010 and 0.00019; ExAC 0.00017; gnomAD 0.00019 and 0.00021; TOPMed 0.00025.
gnomAD v4.1: 182 of 1,613,140 alleles (0.011%); highest among the groups gnomAD compares: Middle Eastern, 0.12%; 1 homozygote.

Submissions (4):

GeneDx
Classification: Uncertain significance. Last evaluated: 2025-12-02. Review status: criteria provided, single submitter. Criteria: GeneDx Variant Classification Process June 2021. Collection method: clinical testing. Allele origin: germline. Affected: yes.
Comment: In silico analysis supports that this missense variant has a deleterious effect on protein structure/function; Has not been previously published as pathogenic or benign to our knowledge

Blueprint Genetics
Classification: Uncertain significance. Last evaluated: 2024-11-18. Review status: criteria provided, single submitter. Criteria: ACMG Guidelines, 2015. Collection method: clinical testing. Allele origin: germline.

Labcorp Genetics (formerly Invitae), Labcorp
Classification: Uncertain significance. Last evaluated: 2022-08-19. Review status: criteria provided, single submitter. Criteria: Invitae Variant Classification Sherloc (09022015). Collection method: clinical testing. Allele origin: germline.
Comment: This sequence change replaces proline, which is neutral and non-polar, with leucine, which is neutral and non-polar, at codon 669 of the ESPN protein (p.Pro669Leu). This variant is present in population databases (rs146261521, gnomAD 0.05%). This variant has not been reported in the literature in individuals affected with ESPN-related conditions. ClinVar contains an entry for this variant (Variation ID: 1187937). Algorithms developed to predict the effect of missense changes on protein structure and function (SIFT, PolyPhen-2, Align-GVGD) all suggest that this variant is likely to be tolerated. In summary, the available evidence is currently insufficient to determine the role of this variant in disease. Therefore, it has been classified as a Variant of Uncertain Significance.

Breakthrough Genomics
Classification: Uncertain significance. Review status: criteria provided, single submitter. Criteria: ACMG Guidelines, 2015. Collection method: not provided. Allele origin: germline. Inheritance: Autosomal recessive inheritance. Affected: yes.